The following is an entry in ClinVar:

ClinVar aggregate classification (germline): Uncertain significance. Review status: criteria provided, multiple submitters, no conflicts (2 of 4 stars). 2 submissions from 2 submitters: Uncertain significance (2). Last evaluated 2025-08-20.

Conditions:
Hereditary cancer-predisposing syndrome. Also called: Hereditary Cancer Syndrome; Tumor predisposition; Hereditary neoplastic syndrome; Neoplastic Syndromes, Hereditary. Identifiers: Orphanet 140162, MedGen C0027672, MeSH D009386, MONDO:0015356.

Allele frequency attached by ClinVar (database versions not stated): TOPMed below 0.00001.

Submissions (2):

Labcorp Genetics (formerly Invitae), Labcorp
Classification: Uncertain significance. Last evaluated: 2025-08-20. Review status: criteria provided, single submitter. Criteria: Invitae Variant Classification Sherloc (09022015). Collection method: clinical testing. Allele origin: germline.
Comment: This sequence change replaces isoleucine, which is neutral and non-polar, with leucine, which is neutral and non-polar, at codon 403 of the POLE protein (p.Ile403Leu). This variant is not present in population databases (gnomAD no frequency). This variant has not been reported in the literature in individuals affected with POLE-related conditions. ClinVar contains an entry for this variant (Variation ID: 1056784). Invitae Evidence Modeling of protein sequence and biophysical properties (such as structural, functional, and spatial information, amino acid conservation, physicochemical variation, residue mobility, and thermodynamic stability) indicates that this missense variant is not expected to disrupt POLE protein function with a negative predictive value of 80%. In summary, the available evidence is currently insufficient to determine the role of this variant in disease. Therefore, it has been classified as a Variant of Uncertain Significance.

Ambry Genetics
Classification: Uncertain significance for Hereditary cancer-predisposing syndrome. Last evaluated: 2024-09-09. Review status: criteria provided, single submitter. Criteria: Ambry Variant Classification Scheme 2023. Collection method: clinical testing. Allele origin: germline.
Comment: The p.I403L variant (also known as c.1207A>C), located in coding exon 12 of the POLE gene, results from an A to C substitution at nucleotide position 1207. The isoleucine at codon 403 is replaced by leucine, an amino acid with highly similar properties. This amino acid position is conserved. In addition, this alteration is predicted to be tolerated by in silico analysis. Based on the available evidence, the clinical significance of this variant remains unclear.

NM_006231.4(POLE):c.1207A>C (p.Ile403Leu)

Gene: POLE (DNA polymerase epsilon, catalytic subunit; minus strand). Cytogenetic location: 12q24.33.
Variant type: single nucleotide variant.
Coding change: c.1207A>C on transcript NM_006231.4 (MANE Select); coding-DNA position 1207, A replaced by C.
Protein change: p.Ile403Leu; replaces isoleucine 403 with leucine.
Molecular consequence: missense variant.
Genome position (GRCh38, 1-based): chr12:132,675,417, T>G on the plus strand (A>C on the coding strand, the complement: POLE is on the minus strand). VCF-style: chr12-132675417-T-G. GRCh37 (hg19) VCF-style: chr12-133252003-T-G.
Other names: c.1207A>C (NM_006231.2); short protein forms I403L.
Identifiers: ClinVar variation 1056784 (VCV001056784.10), dbSNP rs2043023582, ClinGen allele CA387360750.